The following is an entry in ClinVar:

NM_007118.4(TRIO):c.5945G>A (p.Arg1982His)

Gene: TRIO (trio Rho guanine nucleotide exchange factor; plus strand). Cytogenetic location: 5p15.2.
Variant type: single nucleotide variant.
Coding change: c.5945G>A on transcript NM_007118.4 (MANE Select); coding-DNA position 5945, G replaced by A.
Protein change: p.Arg1982His; replaces arginine 1982 with histidine.
Molecular consequence: missense variant. On other transcripts: non-coding transcript variant (1).
Genome position (GRCh38, 1-based): chr5:14,472,624, G>A. VCF-style: chr5-14472624-G-A. GRCh37 (hg19) VCF-style: chr5-14472733-G-A.
Other names: short protein forms R1982H.
Identifiers: ClinVar variation 931611 (VCV000931611.4), dbSNP rs780065387, ClinGen allele CA3206909.

ClinVar aggregate classification (germline): Uncertain significance. Review status: criteria provided, multiple submitters, no conflicts (2 of 4 stars). 2 submissions from 2 submitters: Uncertain significance (2). Last evaluated 2025-07-10.

Conditions:
Intellectual developmental disorder, autosomal dominant 63, with macrocephaly. Also called: MENTAL RETARDATION, AUTOSOMAL DOMINANT 63, WITH MACROCEPHALY. Identifiers: MedGen C5394205, MONDO:0032939, OMIM 618825.

Allele frequency attached by ClinVar (database versions not stated): gnomAD exomes 0.00002; TOPMed below 0.00001; ExAC 0.00001.
gnomAD v4.1: 26 of 1,614,118 alleles (0.0016%); highest among the groups gnomAD compares: East Asian, 0.013%; no homozygotes.

Submissions (2):

Women's Health and Genetics/Laboratory Corporation of America, LabCorp
Classification: Uncertain significance. Last evaluated: 2025-07-10. Review status: criteria provided, single submitter. Criteria: LabCorp Variant Classification Summary - May 2015. Collection method: clinical testing. Allele origin: germline.
Comment: Variant summary: TRIO c.5945G>A (p.Arg1982His) results in a non-conservative amino acid change in the encoded protein sequence. Algorithms developed to predict the effect of missense changes on protein structure and function all suggest that this variant is likely to be disruptive. The variant allele was found at a frequency of 2.4e-05 in 251366 control chromosomes (gnomAD). The available data on variant occurrences in the general population are insufficient to allow any conclusion about variant significance. To our knowledge, no occurrence of c.5945G>A in individuals affected with TRIO-Related Intellectual Disability and no experimental evidence demonstrating its impact on protein function have been reported. ClinVar contains an entry for this variant (Variation ID: 931611). Based on the evidence outlined above, the variant was classified as uncertain significance.

Centre for Mendelian Genomics, University Medical Centre Ljubljana
Classification: Uncertain significance for Intellectual developmental disorder, autosomal dominant 63, with macrocephaly. Last evaluated: 2019-10-02. Review status: criteria provided, single submitter. Criteria: ACMG Guidelines, 2015. Collection method: clinical testing. Allele origin: unknown. Affected: yes.
Comment: This variant was classified as: Uncertain significance. The available evidence on this variant's pathogenicity is insufficient or conflicting. The following ACMG criteria were applied in classifying this variant: PM2,PP3.